The following is an entry in ClinVar:

ClinVar aggregate classification (germline): Likely pathogenic (1 of 4 stars; one submission).

Conditions:
Epilepsy, familial focal, with variable foci 3 (FFEVF3). Identifiers: MedGen C4310708, MONDO:0014925, OMIM 617118.

Submission:

Labcorp Genetics (formerly Invitae), Labcorp
Classification: Likely pathogenic for Epilepsy, familial focal, with variable foci 3. Last evaluated: 2025-03-17. Review status: criteria provided, single submitter. Criteria: Invitae Variant Classification Sherloc (09022015). Collection method: clinical testing. Allele origin: germline.
Comment: This sequence change affects a donor splice site in intron 6 of the NPRL3 gene. It is expected to disrupt RNA splicing. Variants that disrupt the donor or acceptor splice site typically lead to a loss of protein function (PMID: 16199547), and loss-of-function variants in NPRL3 are known to be pathogenic (PMID: 26285051, 26505888). This variant is not present in population databases (gnomAD no frequency). This variant has not been reported in the literature in individuals affected with NPRL3-related conditions. ClinVar contains an entry for this variant (Variation ID: 841459). Algorithms developed to predict the effect of sequence changes on RNA splicing suggest that this variant may disrupt the consensus splice site. In summary, the currently available evidence indicates that the variant is pathogenic, but additional data are needed to prove that conclusively. Therefore, this variant has been classified as Likely Pathogenic.

Literature cited by the submitters: PubMed 16199547; PubMed 26285051; PubMed 26505888.

NM_001077350.3(NPRL3):c.547+1G>A

Genes: HBA-LCR (alpha-globin locus control region; plus strand), NPRL3 (NPR3 like, GATOR1 complex subunit; minus strand). Cytogenetic location: 16p13.3.
Variant type: single nucleotide variant.
Coding change: c.547+1G>A on transcript NM_001077350.3 (MANE Select); the canonical splice donor site of the intron after coding-DNA position 547, G replaced by A.
Molecular consequence: splice donor variant.
Genome position (GRCh38, 1-based): chr16:112,621, C>T on the plus strand (G>A on the coding strand, the complement: NPRL3 is on the minus strand). VCF-style: chr16-112621-C-T. GRCh37 (hg19) VCF-style: chr16-162620-C-T.
Other names: c.313+1G>A (NM_001243247.2); c.472+1G>A (NM_001243248.2, NM_001243249.2); c.10+1G>A (NM_001039476.3).
Identifiers: ClinVar variation 841459 (VCV000841459.8), dbSNP rs1899864955, ClinGen allele CA393993506.